The following is an entry in ClinVar:

NM_152866.3(MS4A1):c.573+18G>A

Gene: MS4A1 (membrane spanning 4-domains A1; plus strand). Cytogenetic location: 11q12.2.
Variant type: single nucleotide variant.
Coding change: c.573+18G>A on transcript NM_152866.3 (MANE Select); 18 bases into the intron after coding-DNA position 573, G replaced by A.
Molecular consequence: intron variant.
Genome position (GRCh38, 1-based): chr11:60,466,175, G>A. VCF-style: chr11-60466175-G-A. GRCh37 (hg19) VCF-style: chr11-60233648-G-A.
Other names: c.573+18G>A (NM_152867.2, NM_021950.4).
Identifiers: ClinVar variation 2861791 (VCV002861791.3), dbSNP rs2495411281, ClinGen allele CA2574836020.
Genomic context (GRCh38, chr11:60,466,175, plus strand): 5'-CCCATCTACCCAATACTGTTACAGCATACAATCTCTGTTCTTGGTAAGTGTTCTTGGTAA[G>A]TGTGAGATTGGATTTCTCTCCAGGGAGGAAGGATGACTTGTTTATTATGAGCATGAACTC-3'

ClinVar aggregate classification (germline): Uncertain significance (1 of 4 stars; one submission).

Submission:

Labcorp Genetics (formerly Invitae), Labcorp
Classification: Uncertain significance. Last evaluated: 2023-05-02. Review status: criteria provided, single submitter. Criteria: Invitae Variant Classification Sherloc (09022015). Collection method: clinical testing. Allele origin: germline.
Comment: This variant has not been reported in the literature in individuals affected with MS4A1-related conditions. Algorithms developed to predict the effect of sequence changes on RNA splicing suggest that this variant may disrupt the consensus splice site. In summary, the available evidence is currently insufficient to determine the role of this variant in disease. Therefore, it has been classified as a Variant of Uncertain Significance. This variant is not present in population databases (gnomAD no frequency). This sequence change falls in intron 6 of the MS4A1 gene. It does not directly change the encoded amino acid sequence of the MS4A1 protein.